The following is an entry in ClinVar:

ClinVar aggregate classification (germline): Benign/Likely benign. Review status: criteria provided, multiple submitters, no conflicts (2 of 4 stars). 4 submissions from 4 submitters: Benign (2); Likely benign (1). 1 of the submissions does not count toward it. Last evaluated 2025-10-01.

Conditions:
ABRAXAS1-related disorder. Also called: ABRAXAS1-related condition.

Allele frequency attached by ClinVar (database versions not stated): 1000 Genomes Project 0.00060; gnomAD exomes 0.00085 and 0.00164; ExAC 0.00092; TOPMed 0.00098; ESP Exome Variant Server 0.00100; gnomAD 0.00105 and 0.00106; 1000 Genomes Project 30x 0.00047.
gnomAD v4.1: 2,459 of 1,584,992 alleles (0.16%); highest among the groups gnomAD compares: Non-Finnish European, 0.2%; 5 homozygotes.

Submissions (4):

CeGaT Center for Human Genetics Tuebingen
Classification: Likely benign. Last evaluated: 2025-10-01. Review status: criteria provided, single submitter. Criteria: CeGaT Center For Human Genetics Tuebingen Variant Classification Criteria Version 2. Collection method: clinical testing. Allele origin: germline. Affected: yes. Observed: 14 variant alleles.
Comment: ABRAXAS1: BP4, BS1

Women's Health and Genetics/Laboratory Corporation of America, LabCorp
Classification: Benign. Last evaluated: 2016-02-08. Review status: criteria provided, single submitter. Criteria: LabCorp Variant Classification Summary - May 2015. Collection method: clinical testing. Allele origin: germline.
Comment: Variant summary: Variant affects a non-conserved nucleotide located in the 5 UTR of FAM175A. Mutation taster predicts the variant to be normal. It was observed in the large and broad cohorts of the ExAC project at an allele frequency of 0.091% which exceeds the maximal expected allele frequency of a disease causing FAM175A variant (0.0031%) indicating the variant to be benign. Furthermore, a clinical diagnostic center classifies variant as Benign via ClinVar (without evidence to independently evaluate). Considering all evidence, the variant is classified as Benign.

GeneDx
Classification: Benign. Last evaluated: 2014-01-27. Review status: criteria provided, single submitter. Criteria: GeneDx Variant Classification (06012015). Collection method: clinical testing. Allele origin: germline. Affected: yes.
Comment: This variant is considered likely benign or benign based on one or more of the following criteria: it is a conservative change, it occurs at a poorly conserved position in the protein, it is predicted to be benign by multiple in silico algorithms, and/or has population frequency not consistent with disease.

PreventionGenetics, part of Exact Sciences
Classification: Likely benign for ABRAXAS1-related condition. Last evaluated: 2019-10-14. Review status: no assertion criteria provided. Collection method: clinical testing. Allele origin: germline. Not counted in ClinVar's aggregate classification.
Comment: This variant is classified as likely benign based on ACMG/AMP sequence variant interpretation guidelines (Richards et al. 2015 PMID: 25741868, with internal and published modifications).

NM_139076.3(ABRAXAS1):c.-4T>C

Genes: ABRAXAS1 (abraxas 1, BRCA1 A complex subunit; minus strand), LOC129992784 (ATAC-STARR-seq lymphoblastoid silent region 15542; plus strand). Cytogenetic location: 4q21.23.
Variant type: single nucleotide variant.
Coding change: c.-4T>C on transcript NM_139076.3 (MANE Select); 4 bases upstream of the start codon, T replaced by C.
Molecular consequence: 5 prime UTR variant.
Genome position (GRCh38, 1-based): chr4:83,485,076, A>G on the plus strand (T>C on the coding strand, the complement: ABRAXAS1 is on the minus strand). VCF-style: chr4-83485076-A-G. GRCh37 (hg19) VCF-style: chr4-84406229-A-G.
Other names: c.-264T>C (NM_001345962.2).
Identifiers: ClinVar variation 182463 (VCV000182463.39), dbSNP rs202166386, ClinGen allele CA299127.
Genomic context (GRCh38, chr4:83,485,076, plus strand): 5'-AGCGAGTGCGCCGAGCACAAAGCCCGAGAGCACCGCCGACGTACTCTCCCCCTCCATGCT[A>G]CCGCCGCCTCAGGCTACACAAGAGGACGAGGGCGGGGCGCGCGGAGGCAAGACCCTGTGG-3'